The following is an entry in ClinVar:

NM_007366.5(PLA2R1):c.3645C>T (p.Asn1215=)

Gene: PLA2R1 (phospholipase A2 receptor 1; minus strand). Cytogenetic location: 2q24.2.
Variant type: single nucleotide variant.
Coding change: c.3645C>T on transcript NM_007366.5 (MANE Select); coding-DNA position 3645, C replaced by T.
Protein change: p.Asn1215=; no amino-acid change (asparagine 1215 retained).
Molecular consequence: synonymous variant.
Genome position (GRCh38, 1-based): chr2:159,949,672, G>A on the plus strand (C>T on the coding strand, the complement: PLA2R1 is on the minus strand). VCF-style: chr2-159949672-G-A. GRCh37 (hg19) VCF-style: chr2-160806183-G-A.
Other names: c.3645C>T, p.Asn1215= (NM_001007267.3, NM_001195641.2).
Identifiers: ClinVar variation 2651462 (VCV002651462.24), dbSNP rs149313808, ClinGen allele CA1927808.

ClinVar aggregate classification (germline): Likely benign (1 of 4 stars; one submission).

Allele frequency attached by ClinVar (database versions not stated): ESP Exome Variant Server 0.00015; 1000 Genomes Project 30x 0.00016; 1000 Genomes Project 0.00020; ExAC 0.00025; gnomAD 0.00027; TOPMed 0.00028; gnomAD exomes 0.00048.
gnomAD v4.1: 741 of 1,613,948 alleles (0.046%); highest among the groups gnomAD compares: Middle Eastern, 0.099%; no homozygotes.

Submission:

CeGaT Center for Human Genetics Tuebingen
Classification: Likely benign. Last evaluated: 2022-09-01. Review status: criteria provided, single submitter. Criteria: CeGaT Center For Human Genetics Tuebingen Variant Classification Criteria Version 2. Collection method: clinical testing. Allele origin: germline. Affected: yes. Observed: 1 variant allele.
Comment: PLA2R1: BP4, BP7